The following is an entry in ClinVar:

ClinVar aggregate classification (germline): Likely benign. Review status: criteria provided, single submitter (1 of 4 stars). 2 submissions from 2 submitters: Likely benign (1). 1 of the submissions does not count toward it. Last evaluated 2023-01-01.

Conditions:
CYLD-related disorder. Also called: CYLD-related condition.

Allele frequency attached by ClinVar (database versions not stated): TOPMed 0.00003; gnomAD 0.00005; gnomAD exomes 0.00012; 1000 Genomes Project 0.00020; 1000 Genomes Project 30x 0.00031; ExAC 0.00031.

Submissions (2):

CeGaT Center for Human Genetics Tuebingen
Classification: Likely benign. Last evaluated: 2023-01-01. Review status: criteria provided, single submitter. Criteria: CeGaT Center For Human Genetics Tuebingen Variant Classification Criteria Version 2. Collection method: clinical testing. Allele origin: germline. Affected: yes. Observed: 1 variant allele.
Comment: CYLD: PP2, BS1

PreventionGenetics, part of Exact Sciences
Classification: Likely benign for CYLD-related condition. Last evaluated: 2020-01-24. Review status: no assertion criteria provided. Collection method: clinical testing. Allele origin: germline. Not counted in ClinVar's aggregate classification.
Comment: This variant is classified as likely benign based on ACMG/AMP sequence variant interpretation guidelines (Richards et al. 2015 PMID: 25741868, with internal and published modifications).

NM_001378743.1(CYLD):c.2476C>T (p.Leu826Phe)

Genes: CYLD (CYLD lysine 63 deubiquitinase; plus strand), CYLD-AS2 (CYLD antisense RNA 2; minus strand). Cytogenetic location: 16q12.1.
Variant type: single nucleotide variant.
Coding change: c.2476C>T on transcript NM_001378743.1 (MANE Select); coding-DNA position 2476, C replaced by T.
Protein change: p.Leu826Phe; replaces leucine 826 with phenylalanine.
Molecular consequence: missense variant. On other transcripts: non-coding transcript variant (1).
Genome position (GRCh38, 1-based): chr16:50,794,218, C>T. VCF-style: chr16-50794218-C-T. GRCh37 (hg19) VCF-style: chr16-50828129-C-T.
Other names: c.2467C>T, p.Leu823Phe (NM_001042355.2, NM_001042412.3, NM_001378744.1 and 6 more transcripts); c.2437C>T, p.Leu813Phe (NM_001378751.1, NM_001378752.1, NM_001378753.1); c.1801C>T, p.Leu601Phe (NM_001378754.1, NM_001378755.1); c.2476C>T, p.Leu826Phe (NM_015247.3); short protein forms L601F, L813F, L823F, L826F.
Identifiers: ClinVar variation 2646519 (VCV002646519.25), dbSNP rs562111372, ClinGen allele CA8052649.